The following is an entry in ClinVar:

NM_139058.3(ARX):c.1610T>C (p.Leu537Pro)

Gene: ARX (aristaless related homeobox; minus strand). Cytogenetic location: Xp21.3.
Variant type: single nucleotide variant.
Coding change: c.1610T>C on transcript NM_139058.3 (MANE Select); coding-DNA position 1610, T replaced by C.
Protein change: p.Leu537Pro; replaces leucine 537 with proline.
Molecular consequence: missense variant.
Genome position (GRCh38, 1-based): chrX:25,004,749, A>G on the plus strand (T>C on the coding strand, the complement: ARX is on the minus strand). VCF-style: chrX-25004749-A-G. GRCh37 (hg19) VCF-style: chrX-25022866-A-G.
Other names: short protein forms L537P.
Identifiers: ClinVar variation 1878533 (VCV001878533.1), dbSNP rs1189193466, ClinGen allele CA412610655.
Genomic context (GRCh38, chrX:25,004,749, plus strand): 5'-GTGCTGGTGCCCGGCAGGATGTTGAGCTGCGTGAGCTGCGCCGCGTGCTCCTTGGCCTTG[A>G]GCCTCAGCGCGGCTATGCTAGAGGCGCGTCTGTCTGCGGCCGCCGTGGCCGGGTCGGCCA-3'
Protein context (NP_620689.1, residues 527-547): RRASSIAALR[Leu537Pro]KAKEHAAQLT

ClinVar aggregate classification (germline): Uncertain significance (1 of 4 stars; one submission).

Conditions:
Developmental and epileptic encephalopathy, 1 (DEE1). Also called: X-Linked Infantile Spasm Syndrome; OHTAHARA SYNDROME, X-LINKED; X-linked infantile spasms; West's syndrome; Tonic spasms with clustering, arrest of psychomotor development and hypsarrhythmia on EEG; INFANTILE SPASM SYNDROME, X-LINKED 1. Identifiers: MedGen C3463992, MONDO:0010632, OMIM 308350. Disease mechanism: loss of function.

Submission:

Neuberg Centre For Genomic Medicine, NCGM
Classification: Uncertain significance for Developmental and epileptic encephalopathy, 1. Review status: criteria provided, single submitter. Criteria: ACMG Guidelines, 2015. Collection method: clinical testing. Allele origin: germline. Affected: yes.
Comment: The missense variant p.L537P in ARX (NM_139058.3) has not been reported previously as a pathogenic variant nor as a benign variant, to our knowledge. The p.L537P variant is novel (not in any individuals) in gnomAD Exomes and is novel (not in any individuals) in 1000 Genomes. There is a moderate physicochemical difference between leucine and proline. The p.L537P missense variant is predicted to be damaging by both SIFT and PolyPhen2. The leucine residue at codon 537 of ARX is conserved in all mammalian species. The nucleotide c.1610 in ARX is predicted conserved by GERP++ and PhyloP across 100 vertebrates. For these reasons, this variant has been classified as Uncertain Significance.